The following is an entry in ClinVar:

NM_001354604.2(MITF):c.505A>T (p.Met169Leu)

Gene: MITF (melanocyte inducing transcription factor; plus strand). Cytogenetic location: 3p13.
Variant type: single nucleotide variant.
Coding change: c.505A>T on transcript NM_001354604.2 (MANE Select); coding-DNA position 505, A replaced by T.
Protein change: p.Met169Leu; replaces methionine 169 with leucine.
Molecular consequence: missense variant. On other transcripts: intron variant (1).
Genome position (GRCh38, 1-based): chr3:69,937,972, A>T. VCF-style: chr3-69937972-A-T. GRCh37 (hg19) VCF-style: chr3-69987123-A-T.
Other names: c.184A>T, p.Met62Leu (NM_000248.4, NM_001184968.2, NM_198158.3); c.349A>T, p.Met117Leu (NM_001184967.2, NM_001354608.2); c.502A>T, p.Met168Leu (NM_001354605.2, NM_001354606.2, NM_006722.3); c.454A>T, p.Met152Leu (NM_001354607.2); c.505A>T, p.Met169Leu (NM_198159.3); c.457A>T, p.Met153Leu (NM_198177.3); c.93+91A>T (NM_198178.3); short protein forms M117L, M153L, M169L, M152L, M168L, M62L.
Identifiers: ClinVar variation 4648785 (VCV004648785.1).

ClinVar aggregate classification (germline): Uncertain significance (1 of 4 stars; one submission).

Conditions:
Hereditary cancer-predisposing syndrome. Also called: Neoplastic Syndromes, Hereditary; Tumor predisposition; Hereditary Cancer Syndrome; Hereditary neoplastic syndrome. Identifiers: Orphanet 140162, MedGen C0027672, MeSH D009386, MONDO:0015356.

Submission:

Ambry Genetics
Classification: Uncertain significance for Hereditary cancer-predisposing syndrome. Last evaluated: 2025-11-11. Review status: criteria provided, single submitter. Criteria: Ambry Variant Classification Scheme 2023. Collection method: clinical testing. Allele origin: germline.
Comment: The p.M62L variant (also known as c.184A>T), located in coding exon 2 of the MITF gene, results from an A to T substitution at nucleotide position 184. The methionine at codon 62 is replaced by leucine, an amino acid with highly similar properties. This amino acid position is conserved. In addition, this alteration is predicted to be tolerated by in silico analysis. Based on the available evidence, the clinical significance of this variant remains unclear.